The following is an entry in ClinVar:

ClinVar aggregate classification (germline): Uncertain significance (1 of 4 stars; one submission).

Conditions:
MAFA-related disorder. Also called: MAFA-related condition.

Submission:

PreventionGenetics, part of Exact Sciences
Classification: Uncertain significance for MAFA-related condition. Last evaluated: 2025-11-26. Review status: criteria provided, single submitter. Criteria: ACMG Guidelines, 2015. Collection method: clinical testing. Allele origin: germline.
Comment: The MAFA c.913A>G variant is predicted to result in the amino acid substitution p.Lys305Glu. To our knowledge, this variant has not been reported in the literature or in a large population database (gnomAD), indicating this variant is rare. At this time, the clinical significance of this variant is uncertain due to the absence of conclusive functional and genetic evidence.

NM_201589.4(MAFA):c.913A>G (p.Lys305Glu)

Gene: MAFA (MAF bZIP transcription factor A; minus strand). Cytogenetic location: 8q24.3.
Variant type: single nucleotide variant.
Coding change: c.913A>G on transcript NM_201589.4 (MANE Select); coding-DNA position 913, A replaced by G.
Protein change: p.Lys305Glu; replaces lysine 305 with glutamic acid.
Molecular consequence: missense variant.
Genome position (GRCh38, 1-based): chr8:143,429,494, T>C on the plus strand (A>G on the coding strand, the complement: MAFA is on the minus strand). VCF-style: chr8-143429494-T-C. GRCh37 (hg19) VCF-style: chr8-144511664-T-C.
Other names: short protein forms K305E.
Identifiers: ClinVar variation 4992951 (VCV004992951.1).
Genomic context (GRCh38, chr8:143,429,494, plus strand): 5'-TCCCGGGGCCGCCCCGGCCCGCCAGCTTCTCGTATTTCTCCTTGTACAGGTCCCGCTCTT[T>C]GGCCAGGCGCCCCACCTCCAGCTTCAGCTGCTCCACCTGGCTCTGGAGTTGGCACTTCTC-3'
Protein context (NP_963883.2, residues 295-315): QLKLEVGRLA[Lys305Glu]ERDLYKEKYE